The following is an entry in ClinVar:

NM_001164508.2(NEB):c.8726G>C (p.Gly2909Ala)

Gene: NEB (nebulin; minus strand). Cytogenetic location: 2q23.3.
Variant type: single nucleotide variant.
Coding change: c.8726G>C on transcript NM_001164508.2 (MANE Select); coding-DNA position 8726, G replaced by C.
Protein change: p.Gly2909Ala; replaces glycine 2909 with alanine.
Molecular consequence: missense variant.
Genome position (GRCh38, 1-based): chr2:151,640,020, C>G on the plus strand (G>C on the coding strand, the complement: NEB is on the minus strand). VCF-style: chr2-151640020-C-G. GRCh37 (hg19) VCF-style: chr2-152496534-C-G.
Other names: c.8726G>C, p.Gly2909Ala (NM_001164507.2, NM_001271208.2, NM_004543.5); short protein forms G2909A.
Identifiers: ClinVar variation 1717454 (VCV001717454.5), dbSNP rs2552243505, ClinGen allele CA348809597.

ClinVar aggregate classification (germline): Uncertain significance (1 of 4 stars; one submission).

Conditions:
Nemaline myopathy 2 (NEM2). Also called: Nemaline myopathy 2, autosomal recessive. Identifiers: MedGen C1850569, MONDO:0009725, OMIM 256030.

gnomAD v4.1: 1 of 1,613,958 alleles (0.000062%); highest among the groups gnomAD compares: Non-Finnish European, 0.000085%; no homozygotes.

Submission:

Labcorp Genetics (formerly Invitae), Labcorp
Classification: Uncertain significance for Nemaline myopathy 2. Last evaluated: 2022-08-21. Review status: criteria provided, single submitter. Criteria: Invitae Variant Classification Sherloc (09022015). Collection method: clinical testing. Allele origin: germline.
Comment: In summary, the available evidence is currently insufficient to determine the role of this variant in disease. Therefore, it has been classified as a Variant of Uncertain Significance. Algorithms developed to predict the effect of missense changes on protein structure and function are either unavailable or do not agree on the potential impact of this missense change (SIFT: "Deleterious"; PolyPhen-2: "Not Available"; Align-GVGD: "Class C0"). This variant has not been reported in the literature in individuals affected with NEB-related conditions. This variant is not present in population databases (gnomAD no frequency). This sequence change replaces glycine, which is neutral and non-polar, with alanine, which is neutral and non-polar, at codon 2909 of the NEB protein (p.Gly2909Ala).